The following is an entry in ClinVar:

ClinVar aggregate classification (germline): Likely benign (1 of 4 stars; one submission).

Allele frequency attached by ClinVar (database versions not stated): gnomAD exomes 0.00004; ExAC 0.00014; gnomAD 0.00014; ESP Exome Variant Server 0.00019; TOPMed 0.00023.
gnomAD v4.1: 59 of 1,204,782 alleles (0.0049%); highest among the groups gnomAD compares: African/African-American, 0.049%; no homozygotes.

Submission:

CeGaT Center for Human Genetics Tuebingen
Classification: Likely benign. Last evaluated: 2022-07-01. Review status: criteria provided, single submitter. Criteria: CeGaT Center For Human Genetics Tuebingen Variant Classification Criteria Version 2. Collection method: clinical testing. Allele origin: germline. Affected: yes. Observed: 1 variant allele.
Comment: PLXNB3: BP4, BP7

NM_005393.3(PLXNB3):c.2379G>A (p.Pro793=)

Gene: PLXNB3 (plexin B3; plus strand). Cytogenetic location: Xq28.
Variant type: single nucleotide variant.
Coding change: c.2379G>A on transcript NM_005393.3 (MANE Select); coding-DNA position 2379, G replaced by A.
Protein change: p.Pro793=; no amino-acid change (proline 793 retained).
Molecular consequence: synonymous variant.
Genome position (GRCh38, 1-based): chrX:153,771,517, G>A. VCF-style: chrX-153771517-G-A. GRCh37 (hg19) VCF-style: chrX-153036972-G-A.
Other names: c.2448G>A, p.Pro816= (NM_001163257.2).
Identifiers: ClinVar variation 2661723 (VCV002661723.24), dbSNP rs142380642, ClinGen allele CA10551214.
Genomic context (GRCh38, chrX:153,771,517, plus strand): 5'-CGCTCAGCACACTGCCTGACCCTCCCTAGTGATCCTGTACGACTGCGCCATGGGCCACCC[G>A]GACTGCAGCCACTGCCAAGCGGCCAACAGGAGCCTGGGCTGCCTGTGGTGTGCTGACGGC-3'
Protein context (NP_005384.2, residues 783-803): VILYDCAMGH[Pro793=]DCSHCQAANR